The following is an entry in ClinVar:

ClinVar aggregate classification (germline): Uncertain significance (1 of 4 stars; one submission).

Allele frequency attached by ClinVar (database versions not stated): ExAC 0.00001; gnomAD exomes 0.00001.
gnomAD v4.1: 13 of 1,612,128 alleles (0.00081%); highest among the groups gnomAD compares: Non-Finnish European, 0.0011%; no homozygotes.

Submission:

Labcorp Genetics (formerly Invitae), Labcorp
Classification: Uncertain significance. Last evaluated: 2023-11-22. Review status: criteria provided, single submitter. Criteria: Invitae Variant Classification Sherloc (09022015). Collection method: clinical testing. Allele origin: germline.
Comment: This sequence change replaces lysine, which is basic and polar, with glutamic acid, which is acidic and polar, at codon 389 of the RFWD3 protein (p.Lys389Glu). This variant is present in population databases (rs779126903, gnomAD 0.002%). This variant has not been reported in the literature in individuals affected with RFWD3-related conditions. Algorithms developed to predict the effect of missense changes on protein structure and function output the following: SIFT: "Not Available"; PolyPhen-2: "Benign"; Align-GVGD: "Not Available". The glutamic acid amino acid residue is found in multiple mammalian species, which suggests that this missense change does not adversely affect protein function. In summary, the available evidence is currently insufficient to determine the role of this variant in disease. Therefore, it has been classified as a Variant of Uncertain Significance.

NM_018124.4(RFWD3):c.1165A>G (p.Lys389Glu)

Gene: RFWD3 (ring finger and WD repeat domain 3; minus strand). Cytogenetic location: 16q23.1.
Variant type: single nucleotide variant.
Coding change: c.1165A>G on transcript NM_018124.4 (MANE Select); coding-DNA position 1165, A replaced by G.
Protein change: p.Lys389Glu; replaces lysine 389 with glutamic acid.
Molecular consequence: missense variant.
Genome position (GRCh38, 1-based): chr16:74,637,885, T>C on the plus strand (A>G on the coding strand, the complement: RFWD3 is on the minus strand). VCF-style: chr16-74637885-T-C. GRCh37 (hg19) VCF-style: chr16-74671783-T-C.
Other names: c.1165A>G, p.Lys389Glu (NM_001370534.1, NM_001370535.1, NM_001370536.1); c.331A>G, p.Lys111Glu (NM_001370537.1, NM_001370539.1, NM_001370540.1 and 3 more transcripts); short protein forms K111E, K389E.
Identifiers: ClinVar variation 2794485 (VCV002794485.3), dbSNP rs779126903, ClinGen allele CA8169299.
Genomic context (GRCh38, chr16:74,637,885, plus strand): 5'-AAGTTCTTTGGATTAGAAAGGACAAACGTACCTGAACACGCCTTTGAAGCCTAGTGCACT[T>C]ATCAGTGAGGACCTGCAGTTGGAGTCGGCACTGTGCTGATTCTAACTCGGCCTGTTTCCT-3'
Protein context (NP_060594.3, residues 379-399): CRLQLQVLTD[Lys389Glu]CTRLQRRVQD